The following is an entry in ClinVar:

NM_001267550.2(TTN):c.39045G>C (p.Val13015=)

Gene: TTN (titin; minus strand). Cytogenetic location: 2q31.2.
Variant type: single nucleotide variant.
Coding change: c.39045G>C on transcript NM_001267550.2 (MANE Select); coding-DNA position 39045, G replaced by C.
Protein change: p.Val13015=; no amino-acid change (valine 13015 retained).
Molecular consequence: synonymous variant. On other transcripts: intron variant (3).
Genome position (GRCh38, 1-based): chr2:178,652,540, C>G on the plus strand (G>C on the coding strand, the complement: TTN is on the minus strand). VCF-style: chr2-178652540-C-G. GRCh37 (hg19) VCF-style: chr2-179517267-C-G.
Other names: c.34524G>C, p.Val11508= (NM_001256850.1); c.31743G>C, p.Val10581= (NM_133378.4); c.13283-10223G>C (NM_003319.4); c.13859-10223G>C (NM_133437.4); c.13658-10223G>C (NM_133432.3).
Identifiers: ClinVar variation 46916 (VCV000046916.33), dbSNP rs192464868, ClinGen allele CA139517.
Genomic context (GRCh38, chr2:178,652,540, plus strand): 5'-CTTTTTAGGAGGAGCCGCTGGCACTTTCTTTTCAGGAACAACTTCTTTCGGAGCCTCTGG[C>G]ACTTAAAAGATATTAGTGAAATTACATTTAGAAGTTATGAAGACCATTAGGAAAAATATT-3'
Protein context (NP_001254479.2, residues 13005-13025): PKKPEVPPVK[Val13015=]PEAPKEVVPE

ClinVar aggregate classification (germline): Benign/Likely benign. Review status: criteria provided, multiple submitters, no conflicts (2 of 4 stars). 10 submissions from 7 submitters: Benign (8); Likely benign (2). Last evaluated 2026-09-01.

Conditions:
Autosomal recessive limb-girdle muscular dystrophy type 2J (LGMDR10). Also called: MUSCULAR DYSTROPHY, LIMB-GIRDLE, AUTOSOMAL RECESSIVE 10; Limb-girdle muscular dystrophy, type 2J. Identifiers: Orphanet 140922, MedGen C1837342, MONDO:0012127, OMIM 608807.
Dilated cardiomyopathy 1G (CMD1G). Identifiers: Orphanet 154, MedGen C1858763, MONDO:0011400, OMIM 604145.
Early-onset myopathy with fatal cardiomyopathy (CMYO5). Also called: CONGENITAL MYOPATHY 5 WITH CARDIOMYOPATHY; Salih Myopathy. Identifiers: Orphanet 289377, MedGen C2673677, MONDO:0012714, OMIM 611705. Disease mechanism: loss of function.
Myopathy, myofibrillar, 9, with early respiratory failure (MFM9). Also called: Myopathy, distal, with early respiratory failure, autosomal dominant; Hereditary myopathy with early respiratory failure; EDSTROM MYOPATHY; MYOPATHY, PROXIMAL, WITH EARLY RESPIRATORY MUSCLE INVOLVEMENT. Identifiers: Orphanet 178464, Orphanet 34521, MedGen C1863599, MONDO:0011362, OMIM 603689.
Tibial muscular dystrophy (TMD). Also called: Tibial muscular dystrophy, tardive; Udd Distal Myopathy – Tibial Muscular Dystrophy; UDD MYOPATHY. Identifiers: Orphanet 609, MedGen C1838244, MONDO:0010870, OMIM 600334.

Allele frequency attached by ClinVar (database versions not stated): gnomAD 0.00013 and 0.00012; TOPMed 0.00037; 1000 Genomes Project 0.00060; ExAC 0.00078; gnomAD exomes 0.00017 and 0.00089; 1000 Genomes Project 30x 0.00078.
gnomAD v4.1: 266 of 1,610,734 alleles (0.017%); highest among the groups gnomAD compares: Admixed American, 0.44%; 4 homozygotes.

Submissions (10):

CeGaT Center for Human Genetics Tuebingen
Classification: Likely benign. Last evaluated: 2026-09-01. Review status: criteria provided, single submitter. Criteria: CeGaT Center For Human Genetics Tuebingen Variant Classification Criteria Version 2. Collection method: clinical testing. Allele origin: germline. Affected: yes. Observed: 12 variant alleles.
Comment: TTN: BP4, BP7

Labcorp Genetics (formerly Invitae), Labcorp
Classification: Benign for Dilated cardiomyopathy 1G; Autosomal recessive limb-girdle muscular dystrophy type 2J. Last evaluated: 2026-02-03. Review status: criteria provided, single submitter. Criteria: Invitae Variant Classification Sherloc (09022015). Collection method: clinical testing. Allele origin: germline.

Women's Health and Genetics/Laboratory Corporation of America, LabCorp
Classification: Benign. Last evaluated: 2024-12-27. Review status: criteria provided, single submitter. Criteria: LabCorp Variant Classification Summary - May 2015. Collection method: clinical testing. Allele origin: germline.

Genome-Nilou Lab
Classification: Benign for Autosomal recessive limb-girdle muscular dystrophy type 2J. Last evaluated: 2021-09-10. Review status: criteria provided, single submitter. Criteria: ACMG Guidelines, 2015. Collection method: clinical testing. Allele origin: germline. Affected: no.

Genome-Nilou Lab
Classification: Benign for Myopathy, myofibrillar, 9, with early respiratory failure. Last evaluated: 2021-09-10. Review status: criteria provided, single submitter. Criteria: ACMG Guidelines, 2015. Collection method: clinical testing. Allele origin: germline. Affected: no.

Genome-Nilou Lab
Classification: Benign for Early-onset myopathy with fatal cardiomyopathy. Last evaluated: 2021-09-10. Review status: criteria provided, single submitter. Criteria: ACMG Guidelines, 2015. Collection method: clinical testing. Allele origin: germline. Affected: no.

Genome-Nilou Lab
Classification: Benign for Tibial muscular dystrophy. Last evaluated: 2021-09-10. Review status: criteria provided, single submitter. Criteria: ACMG Guidelines, 2015. Collection method: clinical testing. Allele origin: germline. Affected: no.

Eurofins Ntd Llc (ga)
Classification: Benign. Last evaluated: 2015-10-06. Review status: criteria provided, single submitter. Criteria: EGL Classification Definitions 2015. Collection method: clinical testing. Allele origin: germline. Observed: 1 variant allele, 1 heterozygote.

GeneDx
Classification: Benign. Last evaluated: 2015-04-17. Review status: criteria provided, single submitter. Criteria: GeneDx Variant Classification (06012015). Collection method: clinical testing. Allele origin: germline. Affected: yes.
Comment: This variant is considered likely benign or benign based on one or more of the following criteria: it is a conservative change, it occurs at a poorly conserved position in the protein, it is predicted to be benign by multiple in silico algorithms, and/or has population frequency not consistent with disease.

Laboratory for Molecular Medicine, Mass General Brigham Personalized Medicine
Classification: Likely benign. Last evaluated: 2012-06-26. Review status: criteria provided, single submitter. Criteria: LMM Criteria. Collection method: clinical testing. Allele origin: germline. Observed: 4 variant alleles.
Comment: Val10581Val in exon 156 of TTN: This variant is not expected to have clinical si gnificance because it does not alter an amino acid residue and is not located wi thin the splice consensus sequence. It has been identified in 2.3% (3/132) of Me xican chromosomes a broad population by the 1000 Genomes Project (dbSNP rs192464 868). Val10581Val in exon 156 of TTN (rs192464868; allele frequency = 2.3%, 3/ 132)